The following is an entry in ClinVar:

ClinVar aggregate classification (germline): Uncertain significance. Review status: criteria provided, multiple submitters, no conflicts (2 of 4 stars). 3 submissions from 3 submitters: Uncertain significance (3). Last evaluated 2023-07-24.

Conditions:
Familial thoracic aortic aneurysm and aortic dissection (TAAD). Also called: Thoracic aortic aneurysms and dissections. Identifiers: Orphanet 91387, MedGen C4707243, MONDO:0019625.
Rienhoff syndrome. Also called: LOEYS-DIETZ SYNDROME 5. Identifiers: MedGen C3810012, MONDO:0014262, OMIM 615582.

gnomAD v4.1: 2 of 1,614,116 alleles (0.00012%); highest among the groups gnomAD compares: East Asian, 0.0022%; no homozygotes.

Submissions (3):

GeneDx
Classification: Uncertain significance. Last evaluated: 2023-07-24. Review status: criteria provided, single submitter. Criteria: GeneDx Variant Classification Process June 2021. Collection method: clinical testing. Allele origin: germline. Affected: yes.
Comment: Has not been previously published as pathogenic or benign to our knowledge; Not observed at significant frequency in large population cohorts (gnomAD); In silico analysis supports that this missense variant has a deleterious effect on protein structure/function

Labcorp Genetics (formerly Invitae), Labcorp
Classification: Uncertain significance for Rienhoff syndrome. Last evaluated: 2018-05-31. Review status: criteria provided, single submitter. Criteria: Invitae Variant Classification Sherloc (09022015). Collection method: clinical testing. Allele origin: germline.
Comment: In summary, the available evidence is currently insufficient to determine the role of this variant in disease. Therefore, it has been classified as a Variant of Uncertain Significance. Algorithms developed to predict the effect of missense changes on protein structure and function are either unavailable or do not agree on the potential impact of this missense change (SIFT: "Tolerated"; PolyPhen-2: "Probably Damaging"; Align-GVGD: "Class C0"). This variant has not been reported in the literature in individuals with TGFB3-related disease. ClinVar contains an entry for this variant (Variation ID: 520211). This variant is not present in population databases (ExAC no frequency). This sequence change replaces glutamic acid with lysine at codon 169 of the TGFB3 protein (p.Glu169Lys). The glutamic acid residue is highly conserved and there is a small physicochemical difference between glutamic acid and lysine.

Ambry Genetics
Classification: Uncertain significance for Familial thoracic aortic aneurysm and aortic dissection. Last evaluated: 2017-03-16. Review status: criteria provided, single submitter. Criteria: Ambry Variant Classification Scheme 2023. Collection method: clinical testing. Allele origin: germline.
Comment: The p.E169K variant (also known as c.505G>A), located in coding exon 2 of the TGFB3 gene, results from a G to A substitution at nucleotide position 505. The glutamic acid at codon 169 is replaced by lysine, an amino acid with similar properties. This amino acid position is highly conserved in available vertebrate species. In addition, this alteration is predicted to be deleterious by in silico analysis. Since supporting evidence is limited at this time, the clinical significance of this alteration remains unclear.

NM_003239.5(TGFB3):c.505G>A (p.Glu169Lys)

Gene: TGFB3 (transforming growth factor beta 3; minus strand). Cytogenetic location: 14q24.3.
Variant type: single nucleotide variant.
Coding change: c.505G>A on transcript NM_003239.5 (MANE Select); coding-DNA position 505, G replaced by A.
Protein change: p.Glu169Lys; replaces glutamic acid 169 with lysine.
Molecular consequence: missense variant.
Genome position (GRCh38, 1-based): chr14:75,971,566, C>T on the plus strand (G>A on the coding strand, the complement: TGFB3 is on the minus strand). VCF-style: chr14-75971566-C-T. GRCh37 (hg19) VCF-style: chr14-76437909-C-T.
Other names: c.505G>A, p.Glu169Lys (NM_001329938.2, NM_001329939.2); short protein forms E169K.
Identifiers: ClinVar variation 520211 (VCV000520211.14), dbSNP rs1555360808, ClinGen allele CA390469857.
Genomic context (GRCh38, chr14:75,971,566, plus strand): 5'-GGAACCAGCTTTCCCGTCGGTGTGGTTTCTGCTCTGAGAGAGGAGTTACCTGGAAGAGCT[C>T]GATCCTCTGCTCATTCCGCTTAGAGCTGGGGTTGGGCACCCGCAAGACCCGGAATTCTGC-3'
Protein context (NP_003230.1, residues 159-179): PSSKRNEQRI[Glu169Lys]LFQILRPDEH